The following is an entry in ClinVar:

ClinVar aggregate classification (germline): Uncertain significance. Review status: criteria provided, multiple submitters, no conflicts (2 of 4 stars). 2 submissions from 2 submitters: Uncertain significance (2). Last evaluated 2023-04-28.

Conditions:
Myofibrillar myopathy 5. Also called: FILAMINOPATHY, AUTOSOMAL DOMINANT; Filaminopathy (type). Identifiers: Orphanet 171445, MedGen C1836050, MONDO:0012289, OMIM 609524.
Distal myopathy with posterior leg and anterior hand involvement. Also called: WILLIAMS DISTAL MYOPATHY. Identifiers: Orphanet 63273, MedGen C3279722, MONDO:0013550, OMIM 614065.
Dilated Cardiomyopathy, Dominant.
Hypertrophic cardiomyopathy 26. Also called: Cardiomyopathy, familial hypertrophic, 26. Identifiers: Orphanet 75249, MedGen C4310749, MONDO:0014883, OMIM 617047.

Allele frequency attached by ClinVar (database versions not stated): gnomAD below 0.00001 and 0.00001; gnomAD exomes below 0.00001.

Submissions (2):

Blueprint Genetics
Classification: Uncertain significance. Last evaluated: 2023-04-28. Review status: criteria provided, single submitter. Criteria: ACMG Guidelines, 2015. Collection method: clinical testing. Allele origin: germline.

Labcorp Genetics (formerly Invitae), Labcorp
Classification: Uncertain significance for Distal myopathy with posterior leg and anterior hand involvement; Myofibrillar myopathy 5; Hypertrophic cardiomyopathy 26. Last evaluated: 2017-06-13. Review status: criteria provided, single submitter. Criteria: Invitae Variant Classification Sherloc (09022015). Collection method: clinical testing. Allele origin: germline.
Comment: This sequence change replaces valine with methionine at codon 303 of the FLNC protein (p.Val303Met). The valine residue is weakly conserved and there is a small physicochemical difference between valine and methionine. This variant is not present in population databases (ExAC no frequency). This variant has not been reported in the literature in individuals with a FLNC-related disease. Algorithms developed to predict the effect of missense changes on protein structure and function (SIFT, PolyPhen-2, Align-GVGD) all suggest that this variant is likely to be tolerated, but these predictions have not been confirmed by published functional studies and their clinical significance is uncertain. In summary, this variant has uncertain impact on FLNC function. The available evidence is currently insufficient to determine its role in disease. Therefore, it has been classified as a Variant of Uncertain Significance.

NM_001458.5(FLNC):c.907G>A (p.Val303Met)

Gene: FLNC (filamin C; plus strand). Cytogenetic location: 7q32.1.
Variant type: single nucleotide variant.
Coding change: c.907G>A on transcript NM_001458.5 (MANE Select); coding-DNA position 907, G replaced by A.
Protein change: p.Val303Met; replaces valine 303 with methionine.
Molecular consequence: missense variant.
Genome position (GRCh38, 1-based): chr7:128,837,693, G>A. VCF-style: chr7-128837693-G-A. GRCh37 (hg19) VCF-style: chr7-128477747-G-A.
Other names: c.907G>A, p.Val303Met (NM_001127487.2); short protein forms V303M.
Identifiers: ClinVar variation 472187 (VCV000472187.2), dbSNP rs1554397562, ClinGen allele CA369223065.